The following is an entry in ClinVar:

NM_005612.5(REST):c.2347C>T (p.Pro783Ser)

Gene: REST (RE1 silencing transcription factor; plus strand). Cytogenetic location: 4q12.
Variant type: single nucleotide variant.
Coding change: c.2347C>T on transcript NM_005612.5 (MANE Select); coding-DNA position 2347, C replaced by T.
Protein change: p.Pro783Ser; replaces proline 783 with serine.
Molecular consequence: missense variant.
Genome position (GRCh38, 1-based): chr4:56,931,205, C>T. VCF-style: chr4-56931205-C-T. GRCh37 (hg19) VCF-style: chr4-57797371-C-T.
Other names: c.2347C>T, p.Pro783Ser (NM_001193508.2, NM_001363453.3); short protein forms P783S.
Identifiers: ClinVar variation 1008244 (VCV001008244.9), dbSNP rs755806745, ClinGen allele CA2932464.
Genomic context (GRCh38, chr4:56,931,205, plus strand): 5'-ATAGAGCTGTCTCCTCCCATAGAGGTGGTCCAGAAGGAGCCTGTTCAGATGGAGTTGTCT[C>T]CTCCCATGGGGGTGGTTCAGAAGGAGCCTGCTCAGAGGGAGCCACCTCCTCCCAGAGAGC-3'
Protein context (NP_005603.3, residues 773-793): QKEPVQMELS[Pro783Ser]PMGVVQKEPA

ClinVar aggregate classification (germline): Uncertain significance. Review status: criteria provided, multiple submitters, no conflicts (2 of 4 stars). 2 submissions from 2 submitters: Uncertain significance (2). Last evaluated 2024-09-30.

Conditions:
Inborn genetic diseases. Identifiers: MedGen C0950123, MeSH D030342.

Allele frequency attached by ClinVar (database versions not stated): gnomAD exomes below 0.00001 and 0.00001; TOPMed 0.00001; ExAC 0.00002.
gnomAD v4.1: 8 of 1,614,052 alleles (0.0005%); highest among the groups gnomAD compares: Non-Finnish European, 0.00059%; no homozygotes.

Submissions (2):

Ambry Genetics
Classification: Uncertain significance for Inborn genetic diseases. Last evaluated: 2024-09-30. Review status: criteria provided, single submitter. Criteria: Ambry Variant Classification Scheme 2023. Collection method: clinical testing. Allele origin: germline.

Labcorp Genetics (formerly Invitae), Labcorp
Classification: Uncertain significance. Last evaluated: 2022-08-23. Review status: criteria provided, single submitter. Criteria: Invitae Variant Classification Sherloc (09022015). Collection method: clinical testing. Allele origin: germline.
Comment: This variant is present in population databases (rs755806745, gnomAD 0.002%). This variant has not been reported in the literature in individuals affected with REST-related conditions. ClinVar contains an entry for this variant (Variation ID: 1008244). Algorithms developed to predict the effect of missense changes on protein structure and function output the following: SIFT: "Deleterious"; PolyPhen-2: "Benign"; Align-GVGD: "Class C0". The serine amino acid residue is found in multiple mammalian species, which suggests that this missense change does not adversely affect protein function. In summary, the available evidence is currently insufficient to determine the role of this variant in disease. Therefore, it has been classified as a Variant of Uncertain Significance. This sequence change replaces proline, which is neutral and non-polar, with serine, which is neutral and polar, at codon 783 of the REST protein (p.Pro783Ser).